The following is an entry in ClinVar:

NM_001853.4(COL9A3):c.1736C>G (p.Pro579Arg)

Gene: COL9A3 (collagen type IX alpha 3 chain; plus strand). Cytogenetic location: 20q13.33.
Variant type: single nucleotide variant.
Coding change: c.1736C>G on transcript NM_001853.4 (MANE Select); coding-DNA position 1736, C replaced by G.
Protein change: p.Pro579Arg; replaces proline 579 with arginine.
Molecular consequence: missense variant.
Genome position (GRCh38, 1-based): chr20:62,837,215, C>G. VCF-style: chr20-62837215-C-G. GRCh37 (hg19) VCF-style: chr20-61468567-C-G.
Other names: short protein forms P579R.
Identifiers: ClinVar variation 1484680 (VCV001484680.8), dbSNP rs751185478, ClinGen allele CA9950173.

ClinVar aggregate classification (germline): Uncertain significance (1 of 4 stars; one submission).

Allele frequency attached by ClinVar (database versions not stated): ExAC 0.00002; gnomAD exomes 0.00002; gnomAD 0.00007 and 0.00008.
gnomAD v4.1: 18 of 1,612,114 alleles (0.0011%); highest among the groups gnomAD compares: African/African-American, 0.023%; no homozygotes.

Submission:

Labcorp Genetics (formerly Invitae), Labcorp
Classification: Uncertain significance. Last evaluated: 2025-04-23. Review status: criteria provided, single submitter. Criteria: Invitae Variant Classification Sherloc (09022015). Collection method: clinical testing. Allele origin: germline.
Comment: This sequence change replaces proline, which is neutral and non-polar, with arginine, which is basic and polar, at codon 579 of the COL9A3 protein (p.Pro579Arg). This variant is present in population databases (rs751185478, gnomAD 0.03%). This variant has not been reported in the literature in individuals affected with COL9A3-related conditions. ClinVar contains an entry for this variant (Variation ID: 1484680). Invitae Evidence Modeling of protein sequence and biophysical properties (such as structural, functional, and spatial information, amino acid conservation, physicochemical variation, residue mobility, and thermodynamic stability) indicates that this missense variant is not expected to disrupt COL9A3 protein function with a negative predictive value of 95%. In summary, the available evidence is currently insufficient to determine the role of this variant in disease. Therefore, it has been classified as a Variant of Uncertain Significance.